The following is an entry in ClinVar:

ClinVar aggregate classification (germline): Likely benign (0 of 4 stars; one submission).

Conditions:
ACADL-related disorder. Also called: ACADL-related condition.

Allele frequency attached by ClinVar (database versions not stated): ExAC 0.00002; gnomAD exomes 0.00002; TOPMed 0.00002; gnomAD 0.00004; 1000 Genomes Project 30x 0.00016; 1000 Genomes Project 0.00020.
gnomAD v4.1: 32 of 1,613,834 alleles (0.002%); highest among the groups gnomAD compares: Middle Eastern, 0.05%; no homozygotes.

Submission:

PreventionGenetics, part of Exact Sciences
Classification: Likely benign for ACADL-related condition. Last evaluated: 2021-05-13. Review status: no assertion criteria provided. Collection method: clinical testing. Allele origin: germline.
Comment: This variant is classified as likely benign based on ACMG/AMP sequence variant interpretation guidelines (Richards et al. 2015 PMID: 25741868, with internal and published modifications).

NM_001608.4(ACADL):c.1104G>A (p.Ala368=)

Gene: ACADL (acyl-CoA dehydrogenase long chain; minus strand). Cytogenetic location: 2q34.
Variant type: single nucleotide variant.
Coding change: c.1104G>A on transcript NM_001608.4 (MANE Select); coding-DNA position 1104, G replaced by A.
Protein change: p.Ala368=; no amino-acid change (alanine 368 retained).
Molecular consequence: synonymous variant.
Genome position (GRCh38, 1-based): chr2:210,195,219, C>T on the plus strand (G>A on the coding strand, the complement: ACADL is on the minus strand). VCF-style: chr2-210195219-C-T. GRCh37 (hg19) VCF-style: chr2-211059943-C-T.
Identifiers: ClinVar variation 3045444 (VCV003045444.2), dbSNP rs140400345, ClinGen allele CA2084840.